The following is an entry in ClinVar:

NM_020297.4(ABCC9):c.2108T>C (p.Ile703Thr)

Gene: ABCC9 (ATP binding cassette subfamily C member 9; minus strand). Cytogenetic location: 12p12.1.
Variant type: single nucleotide variant.
Coding change: c.2108T>C on transcript NM_020297.4 (MANE Select); coding-DNA position 2108, T replaced by C.
Protein change: p.Ile703Thr; replaces isoleucine 703 with threonine.
Molecular consequence: missense variant.
Genome position (GRCh38, 1-based): chr12:21,872,715, A>G on the plus strand (T>C on the coding strand, the complement: ABCC9 is on the minus strand). VCF-style: chr12-21872715-A-G. GRCh37 (hg19) VCF-style: chr12-22025649-A-G.
Other names: c.2108T>C, p.Ile703Thr (NM_001377273.1, NM_005691.4); c.1244T>C, p.Ile415Thr (NM_001377274.1); short protein forms I415T, I703T.
Identifiers: ClinVar variation 4736927 (VCV004736927.1).

ClinVar aggregate classification (germline): Uncertain significance (1 of 4 stars; one submission).

Conditions:
Dilated cardiomyopathy 1O (CMD1O). Also called: CARDIOMYOPATHY, DILATED, WITH VENTRICULAR TACHYCARDIA. Identifiers: Orphanet 154, MedGen C1837839, MONDO:0012062, OMIM 608569.

Submission:

Labcorp Genetics (formerly Invitae), Labcorp
Classification: Uncertain significance for Dilated cardiomyopathy 1O. Last evaluated: 2026-01-09. Review status: criteria provided, single submitter. Criteria: Invitae Variant Classification Sherloc (09022015). Collection method: clinical testing. Allele origin: germline.
Comment: This sequence change replaces isoleucine, which is neutral and non-polar, with threonine, which is neutral and polar, at codon 703 of the ABCC9 protein (p.Ile703Thr). This variant is not present in population databases (gnomAD no frequency). This variant has not been reported in the literature in individuals affected with ABCC9-related conditions. Invitae Evidence Modeling of protein sequence and biophysical properties (such as structural, functional, and spatial information, amino acid conservation, physicochemical variation, residue mobility, and thermodynamic stability) indicates that this missense variant is expected to disrupt ABCC9 protein function with a positive predictive value of 80%. In summary, the available evidence is currently insufficient to determine the role of this variant in disease. Therefore, it has been classified as a Variant of Uncertain Significance.